The following is an entry in ClinVar:

NM_024496.4(IRF2BPL):c.2018C>G (p.Ala673Gly)

Gene: IRF2BPL (interferon regulatory factor 2 binding protein like; minus strand). Cytogenetic location: 14q24.3.
Variant type: single nucleotide variant.
Coding change: c.2018C>G on transcript NM_024496.4 (MANE Select); coding-DNA position 2018, C replaced by G.
Protein change: p.Ala673Gly; replaces alanine 673 with glycine.
Molecular consequence: missense variant.
Genome position (GRCh38, 1-based): chr14:77,025,775, G>C on the plus strand (C>G on the coding strand, the complement: IRF2BPL is on the minus strand). VCF-style: chr14-77025775-G-C. GRCh37 (hg19) VCF-style: chr14-77492118-G-C.
Other names: p.Ala673Gly; short protein forms A673G.
Identifiers: ClinVar variation 2628080 (VCV002628080.2), dbSNP rs1277128581, ClinGen allele CA390488343.

ClinVar aggregate classification (germline): Uncertain significance (1 of 4 stars; one submission).

Conditions:
Neurodevelopmental disorder with regression, abnormal movements, loss of speech, and seizures. Identifiers: Orphanet 597623, MedGen C4748127, MONDO:0060759, OMIM 618088.

gnomAD v4.1: 1 of 1,607,796 alleles (0.000062%); highest among the groups gnomAD compares: South Asian, 0.0011%; no homozygotes.

Submission:

Foundation for Research in Genetics and Endocrinology, FRIGE's Institute of Human Genetics
Classification: Uncertain significance for Neurodevelopmental disorder with regression, abnormal movements, loss of speech, and seizures. Last evaluated: 2023-11-02. Review status: criteria provided, single submitter. Criteria: ACMG Guidelines, 2015. Collection method: clinical testing. Allele origin: germline. Inheritance: Autosomal dominant inheritance. Affected: yes. Observed: 1 heterozygote.
Comment: A heterozygous missense variant in exon 1 of the IRF2BPL gene that results in the amino acid substitution of Glycine for Alanine at codon 673 (p.Ala673Gly) was detected. This variant has not been reported in the 1000 genomes, gnomAD (v3.1), gnomdAD (v2) and topmed databases. The in silico prediction of the variant is benign by PolyPhen2(HumDiv), SIFT and MutationTaster2. The reference codon is conserved across species. In summary, the variant meets our criteria to be classified as variant of uncertain significance.